The following is an entry in ClinVar:

NM_001164508.2(NEB):c.23452-14C>G

Genes: NEB (nebulin; minus strand), RIF1 (replication timing regulatory factor 1; plus strand). Cytogenetic location: 2q23.3.
Variant type: single nucleotide variant.
Coding change: c.23452-14C>G on transcript NM_001164508.2 (MANE Select); 14 bases into the intron before coding-DNA position 23452, C replaced by G.
Molecular consequence: intron variant.
Genome position (GRCh38, 1-based): chr2:151,507,027, G>C on the plus strand (C>G on the coding strand, the complement: NEB is on the minus strand). VCF-style: chr2-151507027-G-C. GRCh37 (hg19) VCF-style: chr2-152363541-G-C.
Other names: c.18349-14C>G (NM_004543.5); c.23452-14C>G (NM_001164507.2); c.23557-14C>G (NM_001271208.2).
Identifiers: ClinVar variation 3689611 (VCV003689611.2).

ClinVar aggregate classification (germline): Uncertain significance (1 of 4 stars; one submission).

Conditions:
Nemaline myopathy 2 (NEM2). Also called: Nemaline myopathy 2, autosomal recessive. Identifiers: MedGen C1850569, MONDO:0009725, OMIM 256030.

Submission:

Labcorp Genetics (formerly Invitae), Labcorp
Classification: Uncertain significance for Nemaline myopathy 2. Last evaluated: 2024-11-30. Review status: criteria provided, single submitter. Criteria: Invitae Variant Classification Sherloc (09022015). Collection method: clinical testing. Allele origin: germline.
Comment: This sequence change falls in intron 163 of the NEB gene. It does not directly change the encoded amino acid sequence of the NEB protein. This variant is not present in population databases (gnomAD no frequency). This variant has been observed in individual(s) with nemaline myopathy (internal data). Algorithms developed to predict the effect of sequence changes on RNA splicing suggest that this variant may disrupt the consensus splice site. In summary, the available evidence is currently insufficient to determine the role of this variant in disease. Therefore, it has been classified as a Variant of Uncertain Significance.